The following is an entry in ClinVar:

ClinVar aggregate classification (germline): Benign/Likely benign. Review status: criteria provided, multiple submitters, no conflicts (2 of 4 stars). 6 submissions from 6 submitters: Benign (3); Likely benign (3). Last evaluated 2025-02-01.

Conditions:
Type 2 diabetes mellitus. Also called: Type II diabetes mellitus. Identifiers: MedGen C0011860, MeSH D003924, MONDO:0005148, OMIM 125853, HP:0005978.
Maturity-onset diabetes of the young type 3. Also called: MODY type 3; MODY, type III. Identifiers: Orphanet 552, MedGen C1838100, MeSH C563933, MONDO:0010894, OMIM 600496. Disease mechanism: loss of function.
Diabetes mellitus type 1 (T1D). Also called: Diabetes Mellitus, Juvenile-Onset; Type I diabetes mellitus. Identifiers: MedGen C0011854, MONDO:0005147, OMIM 222100, HP:0100651.
Nonpapillary renal cell carcinoma. Identifiers: Orphanet 422526, MedGen CN074294, MONDO:0007763, OMIM 144700.
Hepatic adenomas, familial. Also called: HEPATIC ADENOMA, SOMATIC; LIVER CELL ADENOMAS, FAMILIAL. Identifiers: MedGen C1840646, MONDO:0007718, OMIM 142330.
Type 1 diabetes mellitus 20 (T1D20). Also called: Diabetes mellitus, insulin-dependent, 20. Identifiers: MedGen C2675866, MONDO:0012919, OMIM 612520.
Maturity-onset diabetes of the young (MODY). Also called: Maturity onset diabetes mellitus in young. Identifiers: Orphanet 552, MedGen C0342276, MONDO:0018911, HP:0004904.

Allele frequency attached by ClinVar (database versions not stated): gnomAD exomes 0.00003 and 0.00010; TOPMed 0.00003; gnomAD 0.00004; ExAC 0.00008.
gnomAD v4.1: 54 of 1,611,084 alleles (0.0034%); highest among the groups gnomAD compares: East Asian, 0.022%; no homozygotes.

Submissions (6):

KCCC/NGS Laboratory, Kuwait Cancer Control Center
Classification: Benign for Maturity-onset diabetes of the young type 3. Last evaluated: 2025-02-01. Review status: criteria provided, single submitter. Criteria: ACMG Guidelines, 2015. Collection method: clinical testing. Allele origin: germline. Affected: no.

Women's Health and Genetics/Laboratory Corporation of America, LabCorp
Classification: Benign. Last evaluated: 2024-12-06. Review status: criteria provided, single submitter. Criteria: LabCorp Variant Classification Summary - May 2015. Collection method: clinical testing. Allele origin: germline.

Blueprint Genetics
Classification: Likely benign. Last evaluated: 2024-05-14. Review status: criteria provided, single submitter. Criteria: ACMG Guidelines, 2015. Collection method: clinical testing. Allele origin: germline.

Labcorp Genetics (formerly Invitae), Labcorp
Classification: Likely benign. Last evaluated: 2024-02-24. Review status: criteria provided, single submitter. Criteria: Invitae Variant Classification Sherloc (09022015). Collection method: clinical testing. Allele origin: germline.

Fulgent Genetics
Classification: Likely benign for Type 2 diabetes mellitus; Hepatic adenomas, familial; Nonpapillary renal cell carcinoma; Diabetes mellitus type 1; Maturity-onset diabetes of the young type 3; Type 1 diabetes mellitus 20. Last evaluated: 2021-09-29. Review status: criteria provided, single submitter. Criteria: ACMG Guidelines, 2015. Collection method: clinical testing. Allele origin: unknown.

Clinical Genomics, Uppaluri K&H Personalized Medicine Clinic
Classification: Benign for Maturity-onset diabetes of the young. Review status: criteria provided, single submitter. Criteria: K & H Uppaluri Personalized Medicine Clinic Variant Classification & Assertion Criteria_Updated V.1. Collection method: research. Allele origin: unknown. Inheritance: Autosomal dominant inheritance.
Comment: Mutations in HNF1A gene can predispose to MODY3. It is associated with both micro and macrovascular complications of diabetes, especially cardiovascular complications. Associated with glucosuria. May respond well to sulfonylureas. However, more evidence is required to confer the association of this particular variant rs193922583 with MODY3.

Literature cited by the submitters: PubMed 31517624 (cited by Clinical Genomics, Uppaluri K&H Personalized Medicine Clinic); PubMed 32395877 (cited by Clinical Genomics, Uppaluri K&H Personalized Medicine Clinic); PubMed 35328643 (cited by Clinical Genomics, Uppaluri K&H Personalized Medicine Clinic); PubMed 35673428 (cited by Clinical Genomics, Uppaluri K&H Personalized Medicine Clinic).

NM_000545.8(HNF1A):c.150C>T (p.Cys50=)

Gene: HNF1A (HNF1 homeobox A; plus strand). Cytogenetic location: 12q24.31.
Variant type: single nucleotide variant.
Coding change: c.150C>T on transcript NM_000545.8 (MANE Select); coding-DNA position 150, C replaced by T.
Protein change: p.Cys50=; no amino-acid change (cysteine 50 retained).
Molecular consequence: synonymous variant.
Genome position (GRCh38, 1-based): chr12:120,978,918, C>T. VCF-style: chr12-120978918-C-T. GRCh37 (hg19) VCF-style: chr12-121416721-C-T.
Other names: c.150C>T, p.Cys50= (NM_001306179.2); c.150C>T (NM_000545.6).
Identifiers: ClinVar variation 36804 (VCV000036804.10), dbSNP rs193922583, ClinGen allele CA214271.